The following is an entry in ClinVar:

NM_017617.5(NOTCH1):c.2742C>G (p.Asn914Lys)

Gene: NOTCH1 (notch receptor 1; minus strand). Cytogenetic location: 9q34.3.
Variant type: single nucleotide variant.
Coding change: c.2742C>G on transcript NM_017617.5 (MANE Select); coding-DNA position 2742, C replaced by G.
Protein change: p.Asn914Lys; replaces asparagine 914 with lysine.
Molecular consequence: missense variant.
Genome position (GRCh38, 1-based): chr9:136,509,960, G>C on the plus strand (C>G on the coding strand, the complement: NOTCH1 is on the minus strand). VCF-style: chr9-136509960-G-C. GRCh37 (hg19) VCF-style: chr9-139404412-G-C.
Other names: short protein forms N914K.
Identifiers: ClinVar variation 3907587 (VCV003907587.1).

ClinVar aggregate classification (germline): Uncertain significance (1 of 4 stars; one submission).

Submission:

Women's Health and Genetics/Laboratory Corporation of America, LabCorp
Classification: Uncertain significance. Last evaluated: 2025-06-23. Review status: criteria provided, single submitter. Criteria: LabCorp Variant Classification Summary - May 2015. Collection method: clinical testing. Allele origin: germline.
Comment: Variant summary: NOTCH1 c.2742C>G (p.Asn914Lys) results in a non-conservative amino acid change in the encoded protein sequence. Algorithms developed to predict the effect of missense changes on protein structure and function all suggest that this variant is likely to be disruptive. Several computational tools predict a significant impact on normal splicing: Two predict the variant creates a cryptic 3' acceptor site. However, these predictions have yet to be confirmed by functional studies. The variant was absent in 247742 control chromosomes. The available data on variant occurrences in the general population are insufficient to allow any conclusion about variant significance. To our knowledge, no occurrence of c.2742C>G in individuals affected with Adams-Oliver Syndrome 5 and no experimental evidence demonstrating its impact on protein function have been reported. No submitters have cited clinical-significance assessments for this variant to ClinVar. Based on the evidence outlined above, the variant was classified as uncertain significance.